The following is an entry in ClinVar:

NM_033028.5(BBS4):c.777C>T (p.Tyr259=)

Gene: BBS4 (Bardet-Biedl syndrome 4; plus strand). Cytogenetic location: 15q24.1.
Variant type: single nucleotide variant.
Coding change: c.777C>T on transcript NM_033028.5 (MANE Select); coding-DNA position 777, C replaced by T.
Protein change: p.Tyr259=; no amino-acid change (tyrosine 259 retained).
Molecular consequence: synonymous variant. On other transcripts: non-coding transcript variant (2).
Genome position (GRCh38, 1-based): chr15:72,731,370, C>T. VCF-style: chr15-72731370-C-T. GRCh37 (hg19) VCF-style: chr15-73023711-C-T.
Other names: c.261C>T, p.Tyr87= (NM_001252678.2); c.708C>T, p.Tyr236= (NM_001320665.2); c.777C>T (NM_033028.4).
Identifiers: ClinVar variation 1131077 (VCV001131077.10), dbSNP rs200469783, ClinGen allele CA7646766.

ClinVar aggregate classification (germline): Likely benign. Review status: criteria provided, single submitter (1 of 4 stars). 2 submissions from 2 submitters: Likely benign (1). 1 of the submissions does not count toward it. Last evaluated 2026-01-21.

Conditions:
BBS4-related disorder. Also called: BBS4-related condition.
Bardet-Biedl syndrome (BBS). Identifiers: Orphanet 110, MedGen C0752166, MONDO:0015229.

Allele frequency attached by ClinVar (database versions not stated): gnomAD 0.00001 and 0.00002; TOPMed 0.00001; ExAC 0.00002; gnomAD exomes 0.00006; 1000 Genomes Project 30x 0.00016; 1000 Genomes Project 0.00020.
gnomAD v4.1: 18 of 1,614,158 alleles (0.0011%); highest among the groups gnomAD compares: Admixed American, 0.03%; no homozygotes.

Submissions (2):

Labcorp Genetics (formerly Invitae), Labcorp
Classification: Likely benign for Bardet-Biedl syndrome. Last evaluated: 2026-01-21. Review status: criteria provided, single submitter. Criteria: Invitae Variant Classification Sherloc (09022015). Collection method: clinical testing. Allele origin: germline.

PreventionGenetics, part of Exact Sciences
Classification: Likely benign for BBS4-related condition. Last evaluated: 2021-06-02. Review status: no assertion criteria provided. Collection method: clinical testing. Allele origin: germline. Not counted in ClinVar's aggregate classification.
Comment: This variant is classified as likely benign based on ACMG/AMP sequence variant interpretation guidelines (Richards et al. 2015 PMID: 25741868, with internal and published modifications).